The following is an entry in ClinVar:

NM_207122.2(EXT2):c.668G>A (p.Arg223Gln)

Gene: EXT2 (exostosin glycosyltransferase 2; plus strand). Cytogenetic location: 11p11.2.
Variant type: single nucleotide variant.
Coding change: c.668G>A on transcript NM_207122.2 (MANE Select); coding-DNA position 668, G replaced by A.
Protein change: p.Arg223Gln; replaces arginine 223 with glutamine.
Molecular consequence: missense variant.
Genome position (GRCh38, 1-based): chr11:44,114,226, G>A. VCF-style: chr11-44114226-G-A. GRCh37 (hg19) VCF-style: chr11-44135776-G-A.
Other names: c.767G>A, p.Arg256Gln (NM_000401.3); c.668G>A, p.Arg223Gln (NM_001178083.3, NM_001389628.1, NM_001389630.1); short protein forms R223Q, R256Q.
Identifiers: ClinVar variation 2151585 (VCV002151585.5), dbSNP rs764379119, ClinGen allele CA221465896.
Genomic context (GRCh38, chr11:44,114,226, plus strand): 5'-CAAAATACTTTGCTTTCAGGGCCCTGTTGGCTGGTGGCGGCTTTTCTACGTGGACTTACC[G>A]GCAAGGCTACGATGTCAGCATTCCTGTCTATAGTCCACTGTCAGCTGAGGTGGATCTTCC-3'
Protein context (NP_997005.1, residues 213-233): AGGGFSTWTY[Arg223Gln]QGYDVSIPVY

ClinVar aggregate classification (germline): Uncertain significance. Review status: criteria provided, multiple submitters, no conflicts (2 of 4 stars). 2 submissions from 2 submitters: Uncertain significance (2). Last evaluated 2024-01-10.

Conditions:
Exostoses, multiple, type 2 (EXT2). Also called: Hereditary Multiple Osteochondromatosis, Type II; EXOSTOSES, MULTIPLE, TYPE II. Identifiers: Orphanet 321, MedGen C1851413, MONDO:0007586, OMIM 133701.
Seizures-scoliosis-macrocephaly syndrome. Also called: SEIZURES, SCOLIOSIS, AND MACROCEPHALY/MICROCEPHALY SYNDROME; Seizures, scoliosis, and macrocephaly syndrome. Identifiers: Orphanet 466926, MedGen C4225248, MONDO:0014731, OMIM 616682.

Allele frequency attached by ClinVar (database versions not stated): TOPMed below 0.00001.
gnomAD v4.1: 17 of 1,614,044 alleles (0.0011%); highest among the groups gnomAD compares: East Asian, 0.0067%; no homozygotes.

Submissions (2):

Fulgent Genetics
Classification: Uncertain significance for Exostoses, multiple, type 2; Seizures-scoliosis-macrocephaly syndrome. Last evaluated: 2024-01-10. Review status: criteria provided, single submitter. Criteria: ACMG Guidelines, 2015. Collection method: clinical testing. Allele origin: germline.

Labcorp Genetics (formerly Invitae), Labcorp
Classification: Uncertain significance for Exostoses, multiple, type 2. Last evaluated: 2022-03-13. Review status: criteria provided, single submitter. Criteria: Invitae Variant Classification Sherloc (09022015). Collection method: clinical testing. Allele origin: germline.
Comment: In summary, the available evidence is currently insufficient to determine the role of this variant in disease. Therefore, it has been classified as a Variant of Uncertain Significance. This variant disrupts the p.Arg223 amino acid residue in EXT2. Other variant(s) that disrupt this residue have been determined to be pathogenic (PMID: 12490068, 17589361, 18165274, 23262345). This suggests that this residue is clinically significant, and that variants that disrupt this residue are likely to be disease-causing. Algorithms developed to predict the effect of missense changes on protein structure and function are either unavailable or do not agree on the potential impact of this missense change (SIFT: "Deleterious"; PolyPhen-2: "Probably Damaging"; Align-GVGD: "Class C0"). This variant has not been reported in the literature in individuals affected with EXT2-related conditions. This variant is present in population databases (no rsID available, gnomAD 0.006%). This sequence change replaces arginine, which is basic and polar, with glutamine, which is neutral and polar, at codon 223 of the EXT2 protein (p.Arg223Gln).

Literature cited by the submitters: PubMed 12490068 (cited by Labcorp Genetics (formerly Invitae), Labcorp); PubMed 17589361 (cited by Labcorp Genetics (formerly Invitae), Labcorp); PubMed 18165274 (cited by Labcorp Genetics (formerly Invitae), Labcorp); PubMed 23262345 (cited by Labcorp Genetics (formerly Invitae), Labcorp).